The following is an entry in ClinVar:

NM_005477.3(HCN4):c.1759C>G (p.Arg587Gly)

Gene: HCN4 (hyperpolarization activated cyclic nucleotide gated potassium channel 4; minus strand). Cytogenetic location: 15q24.1.
Variant type: single nucleotide variant.
Coding change: c.1759C>G on transcript NM_005477.3 (MANE Select); coding-DNA position 1759, C replaced by G.
Protein change: p.Arg587Gly; replaces arginine 587 with glycine.
Molecular consequence: missense variant.
Genome position (GRCh38, 1-based): chr15:73,325,174, G>C on the plus strand (C>G on the coding strand, the complement: HCN4 is on the minus strand). VCF-style: chr15-73325174-G-C. GRCh37 (hg19) VCF-style: chr15-73617515-G-C.
Other names: short protein forms R587G.
Identifiers: ClinVar variation 5005458 (VCV005005458.2).
Genomic context (GRCh38, chr15:73,325,174, plus strand): 5'-TGGACGTCACGAAGTTGGGGTCCGCATTGGCAAACAGTGGCATGGAGGCCACCAGCTTCC[G>C]ACAGTTAAAGTTGATGATCTCCTGCCGGACAGGGTGGATTGGGACACGGGAAGGAGGTGG-3'
Protein context (NP_005468.1, residues 577-597): LREEIINFNC[Arg587Gly]KLVASMPLFA

ClinVar aggregate classification (germline): Uncertain significance (1 of 4 stars; one submission).

Conditions:
Epilepsy, idiopathic generalized, susceptibility to, 18. Identifiers: MedGen C5561983, MONDO:0030434, OMIM 619521.
Brugada syndrome 8 (BRGDA8). Identifiers: Orphanet 130, MedGen C2751083, MONDO:0013148, OMIM 613123.
Sick sinus syndrome 2, autosomal dominant (SSS2). Also called: ATRIAL FIBRILLATION WITH BRADYARRHYTHMIA; SINUS BRADYCARDIA SYNDROME, FAMILIAL, AUTOSOMAL DOMINANT; SINUS NODE DISEASE, FAMILIAL, AUTOSOMAL DOMINANT; SICK SINUS SYNDROME 2; SICK SINUS SYNDROME 2 WITH OR WITHOUT CARDIAC NONCOMPACTION AND/OR ASCENDING AORTA DILATION. Identifiers: Orphanet 166282, MedGen C1834144, MONDO:0008102, OMIM 163800.

Submission:

Juno Genomics, Hangzhou Juno Genomics, Inc
Classification: Uncertain significance for Epilepsy, idiopathic generalized, susceptibility to, 18; Brugada syndrome 8; Sick sinus syndrome 2, autosomal dominant. Review status: criteria provided, single submitter. Criteria: ACMG Guidelines, 2015. Collection method: clinical testing. Allele origin: germline.
Comment: Absent from controls (or at extremely low frequency if recessive) in Genome Aggregation Database.;Multiple lines of computational evidence support a deleterious effect on the gene or gene product.